The following is an entry in ClinVar:

NM_017780.4(CHD7):c.6103+8C>T

Gene: CHD7 (chromodomain helicase DNA binding protein 7; plus strand). Cytogenetic location: 8q12.2.
Variant type: single nucleotide variant.
Coding change: c.6103+8C>T on transcript NM_017780.4 (MANE Select); 8 bases into the intron after coding-DNA position 6103, C replaced by T.
Molecular consequence: intron variant.
Genome position (GRCh38, 1-based): chr8:60,852,714, C>T. VCF-style: chr8-60852714-C-T. GRCh37 (hg19) VCF-style: chr8-61765273-C-T.
Other names: p.?; c.1717-9515C>T (NM_001316690.1).
Identifiers: ClinVar variation 95799 (VCV000095799.43), dbSNP rs3763592, ClinGen allele CA148869.

ClinVar aggregate classification (germline): Benign. Review status: criteria provided, multiple submitters, no conflicts (2 of 4 stars). 16 submissions from 16 submitters: Benign (12). 4 of the submissions do not count toward it. Last evaluated 2026-02-04.

Conditions:
Hypogonadotropic hypogonadism 5 with or without anosmia (KAL5). Also called: CHD7-Related GnRH Deficiency (Kallmann Syndrome 5); HYPOGONADOTROPIC HYPOGONADISM 5 WITH ANOSMIA; HYPOGONADOTROPHIC HYPOGONADISM 5 WITHOUT ANOSMIA. Identifiers: Orphanet 478, MedGen C3552553, MONDO:0012880, OMIM 612370. Disease mechanism: loss of function.
CHARGE syndrome (CHARGE). Also called: CHARGE ASSOCIATION--COLOBOMA, HEART ANOMALY, CHOANAL ATRESIA, RETARDATION, GENITAL AND EAR ANOMALIES; Hittner Hirsch Kreh syndrome; Coloboma, heart anomaly, choanal atresia, retardation, genital and ear anomalies; CHARGE association; Hall-Hittner syndrome. Identifiers: Orphanet 138, MedGen C0265354, MONDO:0008965.

Allele frequency attached by ClinVar (database versions not stated): ExAC 0.07182; gnomAD 0.14641 and 0.13899; 1000 Genomes Project 0.14497; gnomAD exomes 0.06621 and 0.04817; ESP Exome Variant Server 0.14021; TOPMed 0.14549; 1000 Genomes Project 30x 0.15069.
gnomAD v4.1: 92,336 of 1,613,390 alleles (5.7%); highest among the groups gnomAD compares: African/African-American, 38%; 7,029 homozygotes.

Submissions (16):

Labcorp Genetics (formerly Invitae), Labcorp
Classification: Benign for CHARGE syndrome. Last evaluated: 2026-02-04. Review status: criteria provided, single submitter. Criteria: Invitae Variant Classification Sherloc (09022015). Collection method: clinical testing. Allele origin: germline.

Blueprint Genetics
Classification: Benign. Last evaluated: 2024-11-27. Review status: criteria provided, single submitter. Criteria: ACMG Guidelines, 2015. Collection method: clinical testing. Allele origin: germline.

Mayo Clinic Laboratories, Mayo Clinic
Classification: Benign. Last evaluated: 2023-04-03. Review status: criteria provided, single submitter. Criteria: ACMG Guidelines, 2015. Collection method: clinical testing. Allele origin: germline. Observed: 53 variant alleles.
Comment: BA1, BS2, BP4, BP7

ARUP Laboratories, Molecular Genetics and Genomics, ARUP Laboratories
Classification: Benign. Last evaluated: 2018-08-24. Review status: criteria provided, single submitter. Criteria: ARUP Molecular Germline Variant Investigation Process. Collection method: clinical testing. Allele origin: germline.

Athena Diagnostics
Classification: Benign. Last evaluated: 2018-07-25. Review status: criteria provided, single submitter. Criteria: Athena Diagnostics Criteria. Collection method: clinical testing. Allele origin: germline.

Laboratory for Molecular Medicine, Mass General Brigham Personalized Medicine
Classification: Benign. Last evaluated: 2017-12-21. Review status: criteria provided, single submitter. Criteria: LMM Criteria. Collection method: clinical testing. Allele origin: germline. Observed: 11 variant alleles.
Comment: c.6103+8C>T in intron 30 of CHD7: This variant is not expected to have clinical significance because it has been identified in 38.25% (9168/23972) of African ch romosomes including 1772 homozygotes by the genome Aggregation Database (gnomAD; dbSNP rs3763592). ACMG/AMP criteria applied: BA1.

Illumina Laboratory Services, Illumina
Classification: Benign for Kallmann Syndrome 5. Last evaluated: 2017-04-27. Review status: criteria provided, single submitter. Criteria: ICSL Variant Classification Criteria 13 December 2019. Collection method: clinical testing. Allele origin: germline.
Comment: This variant was observed as part of a predisposition screen in an ostensibly healthy population. A literature search was performed for the gene, cDNA change, and amino acid change (where applicable). No publications were found based on this search. Allele frequency data from public databases was too high to be consistent with this variant causing disease. Therefore, this variant is classified as benign.

Eurofins Ntd Llc (ga)
Classification: Benign. Last evaluated: 2015-08-03. Review status: criteria provided, single submitter. Criteria: EGL Classification Definitions 2015. Collection method: clinical testing. Allele origin: germline. Observed: 20 variant alleles, 16 heterozygotes, 4 homozygotes.

GeneDx
Classification: Benign. Last evaluated: 2015-03-03. Review status: criteria provided, single submitter. Criteria: GeneDx Variant Classification Process June 2021. Collection method: clinical testing. Allele origin: germline. Affected: yes.
Comment: This variant is associated with the following publications: (PMID: 22033296, 27884173, 16400610, 21158681)

Genetic Services Laboratory, University of Chicago
Classification: Benign. Last evaluated: 2013-02-08. Review status: criteria provided, single submitter. Criteria: ACMG Guidelines, 2007. Collection method: clinical testing. Allele origin: germline. Inheritance: Autosomal dominant inheritance.

Breakthrough Genomics
Classification: Benign. Review status: criteria provided, single submitter. Criteria: ACMG Guidelines, 2015. Collection method: not provided. Allele origin: germline. Inheritance: Autosomal dominant inheritance. Affected: yes.

PreventionGenetics, part of Exact Sciences
Classification: Benign. Review status: criteria provided, single submitter. Criteria: ACMG Guidelines, 2015. Collection method: clinical testing. Allele origin: germline.

Clinical Genetics DNA and cytogenetics Diagnostics Lab, Erasmus MC, Erasmus Medical Center
Classification: Benign. Review status: no assertion criteria provided. Collection method: clinical testing. Allele origin: germline. Affected: yes. Study: VKGL Data-share Consensus. Not counted in ClinVar's aggregate classification.

Clinical Genetics, Academic Medical Center
Classification: Benign. Review status: no assertion criteria provided. Collection method: clinical testing. Allele origin: germline. Affected: yes. Study: VKGL Data-share Consensus. Not counted in ClinVar's aggregate classification.

Genome Diagnostics Laboratory, University Medical Center Utrecht
Classification: Benign. Review status: no assertion criteria provided. Collection method: clinical testing. Allele origin: germline. Affected: yes. Study: VKGL Data-share Consensus. Not counted in ClinVar's aggregate classification.

Joint Genome Diagnostic Labs from Nijmegen and Maastricht, Radboudumc and MUMC+
Classification: Benign. Review status: no assertion criteria provided. Collection method: clinical testing. Allele origin: germline. Affected: yes. Study: VKGL Data-share Consensus. Not counted in ClinVar's aggregate classification.

Literature cited by the submitters: PubMed 16400610 (cited by Athena Diagnostics and Laboratory for Molecular Medicine, Mass General Brigham Personalized Medicine); PubMed 27884173 (cited by Athena Diagnostics); PubMed 21158681 (cited by Athena Diagnostics and Laboratory for Molecular Medicine, Mass General Brigham Personalized Medicine); PubMed 22033296 (cited by Laboratory for Molecular Medicine, Mass General Brigham Personalized Medicine).